The following is an entry in ClinVar:

ClinVar aggregate classification (germline): Uncertain significance. Review status: criteria provided, multiple submitters, no conflicts (2 of 4 stars). 2 submissions from 2 submitters: Uncertain significance (2). Last evaluated 2025-10-02.

Allele frequency attached by ClinVar (database versions not stated): ExAC 0.00001; gnomAD exomes 0.00001; TOPMed 0.00001.
gnomAD v4.1: 21 of 1,613,148 alleles (0.0013%); highest among the groups gnomAD compares: Non-Finnish European, 0.0017%; no homozygotes.

Submissions (2):

Ambry Genetics
Classification: Uncertain significance. Last evaluated: 2025-10-02. Review status: criteria provided, single submitter. Criteria: Ambry Variant Classification Scheme 2023. Collection method: clinical testing. Allele origin: germline.

CeGaT Center for Human Genetics Tuebingen
Classification: Uncertain significance. Last evaluated: 2025-07-01. Review status: criteria provided, single submitter. Criteria: CeGaT Center For Human Genetics Tuebingen Variant Classification Criteria Version 2. Collection method: clinical testing. Allele origin: germline. Affected: yes. Observed: 1 variant allele.
Comment: PLXNA1: PM2

NM_032242.4(PLXNA1):c.1082C>T (p.Thr361Met)

Gene: PLXNA1 (plexin A1; plus strand). Cytogenetic location: 3q21.3.
Variant type: single nucleotide variant.
Coding change: c.1082C>T on transcript NM_032242.4 (MANE Select); coding-DNA position 1082, C replaced by T.
Protein change: p.Thr361Met; replaces threonine 361 with methionine.
Molecular consequence: missense variant.
Genome position (GRCh38, 1-based): chr3:126,989,675, C>T. VCF-style: chr3-126989675-C-T. GRCh37 (hg19) VCF-style: chr3-126708518-C-T.
Other names: short protein forms T361M.
Identifiers: ClinVar variation 2521516 (VCV002521516.10), dbSNP rs767221711, ClinGen allele CA2593115.
Genomic context (GRCh38, chr3:126,989,675, plus strand): 5'-TCGCCCAGGGCCAGAAGAACCGCGTGAAGCCACCAAAGGAGTCAGCACTGTGCCTGTTCA[C>T]GCTCAGGGCCATCAAGGAGAAGATTAAGGAGCGCATCCAGTCCTGCTACCGTGGTGAGGG-3'
Protein context (NP_115618.3, residues 351-371): PPKESALCLF[Thr361Met]LRAIKEKIKE